The following is an entry in ClinVar:

ClinVar aggregate classification (germline): Pathogenic (1 of 4 stars; one submission).

Conditions:
Carnitine palmitoyltransferase II deficiency. Also called: Carnitine Palmitoyltransferase 2 Deficiency. Identifiers: Orphanet 157, MedGen C0342790, MONDO:0015515.

Submission:

Labcorp Genetics (formerly Invitae), Labcorp
Classification: Pathogenic for Carnitine palmitoyltransferase II deficiency. Last evaluated: 2020-11-11. Review status: criteria provided, single submitter. Criteria: Invitae Variant Classification Sherloc (09022015). Collection method: clinical testing. Allele origin: germline.
Comment: For these reasons, this variant has been classified as Pathogenic. This variant has not been reported in the literature in individuals with CPT2-related conditions. This variant is a gross deletion of the genomic region encompassing exon(s) 2-3 of the CPT2 gene. This deletion is out-of-frame, and is expected to create a premature translational stop signal and result in an absent or disrupted protein product. Loss-of-function variants in CPT2 are known to be pathogenic (PMID: 16781677, 16996287).

Literature cited by the submitters: PubMed 16781677; PubMed 16996287.

NC_000001.11:g.(?_53200709)_(53202439_?)del

Gene: CPT2 (carnitine palmitoyltransferase 2; plus strand). Cytogenetic location: 1p32.3.
Variant type: Deletion.
Identifiers: ClinVar variation 832209 (VCV000832209.7).